The following is an entry in ClinVar:

ClinVar aggregate classification (germline): Benign/Likely benign. Review status: criteria provided, multiple submitters, no conflicts (2 of 4 stars). 2 submissions from 2 submitters: Benign (1); Likely benign (1). Last evaluated 2022-06-01.

Allele frequency attached by ClinVar (database versions not stated): 1000 Genomes Project 0.00100; ESP Exome Variant Server 0.00122; TOPMed 0.00212; gnomAD 0.00238 and 0.00256; 1000 Genomes Project 30x 0.00250; gnomAD exomes 0.00293; ExAC 0.00755.

Submissions (2):

CeGaT Center for Human Genetics Tuebingen
Classification: Likely benign. Last evaluated: 2022-06-01. Review status: criteria provided, single submitter. Criteria: CeGaT Center For Human Genetics Tuebingen Variant Classification Criteria Version 2. Collection method: clinical testing. Allele origin: germline. Affected: yes. Observed: 1 variant allele.
Comment: SOX8: BP4, BP7

Labcorp Genetics (formerly Invitae), Labcorp
Classification: Benign. Last evaluated: 2018-04-11. Review status: criteria provided, single submitter. Criteria: Invitae Variant Classification Sherloc (09022015). Collection method: clinical testing. Allele origin: germline.

NM_014587.5(SOX8):c.42C>T (p.Ser14=)

Gene: SOX8 (SRY-box transcription factor 8; plus strand). Cytogenetic location: 16p13.3.
Variant type: single nucleotide variant.
Coding change: c.42C>T on transcript NM_014587.5 (MANE Select); coding-DNA position 42, C replaced by T.
Protein change: p.Ser14=; no amino-acid change (serine 14 retained).
Molecular consequence: synonymous variant.
Genome position (GRCh38, 1-based): chr16:981,964, C>T. VCF-style: chr16-981964-C-T. GRCh37 (hg19) VCF-style: chr16-1031964-C-T.
Identifiers: ClinVar variation 713378 (VCV000713378.27), dbSNP rs201357577, ClinGen allele CA7798087.